The following is an entry in ClinVar:

ClinVar aggregate classification (germline): Uncertain significance (1 of 4 stars; one submission).

Conditions:
Fleck corneal dystrophy (CFD). Also called: CORNEAL DYSTROPHY, FRANCOIS-NEETENS SPECKLED OR FLECKED. Identifiers: Orphanet 98970, MedGen C1562113, MONDO:0007376, OMIM 121850.

Submission:

Neuberg Centre For Genomic Medicine, NCGM
Classification: Uncertain significance for Fleck corneal dystrophy. Last evaluated: 2023-05-20. Review status: criteria provided, single submitter. Criteria: ACMG Guidelines, 2015. Collection method: clinical testing. Allele origin: germline. Inheritance: Autosomal dominant inheritance. Affected: yes.
Comment: The missense variant c.577A>G (p.Asn193Asp) in the PIKFYVE gene has not been reported previously as a pathogenic variant nor as a benign variant, to our knowledge. This variant is absent in the gnomAD Exomes. The amino acid Asn at position 193 is changed to a Asp changing protein sequence and it might alter its composition and physico-chemical properties. Computational evidence (Polyphen, SIFT and MutationTaster) predicts conflicting evidence on protein structure and function for this variant. The amino acid change p.Asn193Asp in PIKFYVE is predicted as conserved by GERP++ and PhyloP across 100 vertebrates. For these reasons, this variant has been classified as Uncertain Significance.

NM_015040.4(PIKFYVE):c.577A>G (p.Asn193Asp)

Gene: PIKFYVE (phosphoinositide kinase, FYVE-type zinc finger containing; plus strand). Cytogenetic location: 2q34.
Variant type: single nucleotide variant.
Coding change: c.577A>G on transcript NM_015040.4 (MANE Select); coding-DNA position 577, A replaced by G.
Protein change: p.Asn193Asp; replaces asparagine 193 with aspartic acid.
Molecular consequence: missense variant. On other transcripts: intron variant (1).
Genome position (GRCh38, 1-based): chr2:208,277,672, A>G. VCF-style: chr2-208277672-A-G. GRCh37 (hg19) VCF-style: chr2-209142396-A-G.
Other names: c.577A>G, p.Asn193Asp (NM_001178000.2); c.322+3939A>G (NM_152671.4); short protein forms N193D.
Identifiers: ClinVar variation 3362368 (VCV003362368.3).
Genomic context (GRCh38, chr2:208,277,672, plus strand): 5'-ACCTTTAGGCGCAGACACCATTGCCGACTATGTGGGCAGATTTTCTGCAGTCGTTGCTGT[A>G]ATCAAGAAATCCCTGGAAAATTTATGGGCTATACAGGTAAATGCATTTTATTGCCAGTTT-3'
Protein context (NP_055855.2, residues 183-203): CGQIFCSRCC[Asn193Asp]QEIPGKFMGY